The following is an entry in ClinVar:

NM_006796.3(AFG3L2):c.-96G>C

Gene: AFG3L2 (AFG3 like matrix AAA peptidase subunit 2; minus strand). Cytogenetic location: 18p11.21.
Variant type: single nucleotide variant.
Coding change: c.-96G>C on transcript NM_006796.3 (MANE Select); 96 bases upstream of the start codon, G replaced by C.
Molecular consequence: 5 prime UTR variant.
Genome position (GRCh38, 1-based): chr18:12,377,178, C>G on the plus strand (G>C on the coding strand, the complement: AFG3L2 is on the minus strand). VCF-style: chr18-12377178-C-G. GRCh37 (hg19) VCF-style: chr18-12377177-C-G.
Identifiers: ClinVar variation 326120 (VCV000326120.8), dbSNP rs12327346, ClinGen allele CA8896871.
Genomic context (GRCh38, chr18:12,377,178, plus strand): 5'-CGCAGGCGCGGGCAGGCGACGACTGGCGGCCTCGGGAAGCGGGCTCGGCTCGGGGAAAGG[C>G]CGCCAGGCAGCGAAGCGCGCCGGCGGCTCACGGAGGAGCCCAAGCTCTCAACGCGGCGTC-3'

ClinVar aggregate classification (germline): Benign. Review status: criteria provided, multiple submitters, no conflicts (2 of 4 stars). 3 submissions from 3 submitters: Benign (3). Last evaluated 2018-06-23.

Conditions:
Spinocerebellar ataxia type 28 (SCA28). Also called: Spinocerebellar Ataxia Type 28 (SCA28). Identifiers: Orphanet 101109, MedGen C1853249, MONDO:0012450, OMIM 610246.

Allele frequency attached by ClinVar (database versions not stated): gnomAD exomes 0.07510; ExAC 0.10321; gnomAD 0.13896 and 0.14255; TOPMed 0.15506; 1000 Genomes Project 0.18830; 1000 Genomes Project 30x 0.19035.
gnomAD v4.1: 60,116 of 992,402 alleles (6.1%); highest among the groups gnomAD compares: African/African-American, 36%; 5,337 homozygotes.

Submissions (3):

GeneDx
Classification: Benign. Last evaluated: 2018-06-23. Review status: criteria provided, single submitter. Criteria: GeneDx Variant Classification Process June 2021. Collection method: clinical testing. Allele origin: germline. Affected: yes.

Illumina Laboratory Services, Illumina
Classification: Benign for Spinocerebellar ataxia type 28. Last evaluated: 2018-01-12. Review status: criteria provided, single submitter. Criteria: ICSL Variant Classification Criteria 13 December 2019. Collection method: clinical testing. Allele origin: germline.
Comment: This variant was observed in the ICSL laboratory as part of a predisposition screen in an ostensibly healthy population. It had not been previously curated by ICSL or reported in the Human Gene Mutation Database (HGMD: prior to June 1st, 2018), and was therefore a candidate for classification through an automated scoring system. Utilizing variant allele frequency, disease prevalence and penetrance estimates, and inheritance mode, an automated score was calculated to assess if this variant is too frequent to cause the disease. Based on the score and internal cut-off values, a variant classified as benign is not then subjected to further curation. The score for this variant resulted in a classification of benign for this disease.

Breakthrough Genomics
Classification: Benign. Review status: criteria provided, single submitter. Criteria: ACMG Guidelines, 2015. Collection method: not provided. Allele origin: germline. Inheritance: Autosomal recessive inheritance. Affected: yes.